The following is an entry in ClinVar:

NM_001613.4(ACTA2):c.866T>C (p.Ile289Thr)

Genes: ACTA2-AS1 (ACTA2 antisense RNA 1; plus strand), ACTA2 (actin alpha 2, smooth muscle; minus strand). Cytogenetic location: 10q23.31.
Variant type: single nucleotide variant.
Coding change: c.866T>C on transcript NM_001613.4 (MANE Select); coding-DNA position 866, T replaced by C.
Protein change: p.Ile289Thr; replaces isoleucine 289 with threonine.
Molecular consequence: missense variant.
Genome position (GRCh38, 1-based): chr10:88,938,185, A>G on the plus strand (T>C on the coding strand, the complement: ACTA2 is on the minus strand). VCF-style: chr10-88938185-A-G. GRCh37 (hg19) VCF-style: chr10-90697942-A-G.
Other names: c.866T>C, p.Ile289Thr (NM_001141945.3, NM_001320855.2, NM_001406462.1 and 2 more transcripts); c.755T>C, p.Ile252Thr (NM_001406466.1); c.737T>C, p.Ile246Thr (NM_001406467.1, NM_001406468.1, NM_001406469.1); c.674T>C, p.Ile225Thr (NM_001406471.1); short protein forms I225T, I246T, I252T, I289T.
Identifiers: ClinVar variation 3369824 (VCV003369824.2).
Genomic context (GRCh38, chr10:88,938,185, plus strand): 5'-GGGTACATAGTGGTGCCCCCTGATAGGACATTGTTAGCATAGAGGTCCTTCCTGATGTCA[A>G]TATCACACTTCATGATGCTGTTGTAGGTGGTTTCATGGATGCCAGCAGACTCCATCCCTG-3'
Protein context (NP_001604.1, residues 279-299): TTYNSIMKCD[Ile289Thr]DIRKDLYANN

ClinVar aggregate classification (germline): Uncertain significance. Review status: criteria provided, multiple submitters, no conflicts (2 of 4 stars). 2 submissions from 2 submitters: Uncertain significance (2). Last evaluated 2025-10-05.

Conditions:
Aortic aneurysm, familial thoracic 6 (AAT6). Also called: FAMILIAL THORACIC AORTIC ANEURYSM WITH LIVEDO RETICULARIS AND IRIS FLOCCULI. Identifiers: MedGen C2673186, MONDO:0012730, OMIM 611788.

gnomAD v4.1: 2 of 1,614,022 alleles (0.00012%); highest among the groups gnomAD compares: East Asian, 0.0045%; no homozygotes.

Submissions (2):

Labcorp Genetics (formerly Invitae), Labcorp
Classification: Uncertain significance for Aortic aneurysm, familial thoracic 6. Last evaluated: 2025-10-05. Review status: criteria provided, single submitter. Criteria: Invitae Variant Classification Sherloc (09022015). Collection method: clinical testing. Allele origin: germline.
Comment: This sequence change replaces isoleucine, which is neutral and non-polar, with threonine, which is neutral and polar, at codon 289 of the ACTA2 protein (p.Ile289Thr). This variant is not present in population databases (gnomAD no frequency). This variant has not been reported in the literature in individuals affected with ACTA2-related conditions. ClinVar contains an entry for this variant (Variation ID: 3369824). Invitae Evidence Modeling of protein sequence and biophysical properties (such as structural, functional, and spatial information, amino acid conservation, physicochemical variation, residue mobility, and thermodynamic stability) indicates that this missense variant is not expected to disrupt ACTA2 protein function with a negative predictive value of 80%. In summary, the available evidence is currently insufficient to determine the role of this variant in disease. Therefore, it has been classified as a Variant of Uncertain Significance.

GeneDx
Classification: Uncertain significance. Last evaluated: 2024-02-27. Review status: criteria provided, single submitter. Criteria: GeneDx Variant Classification Process June 2021. Collection method: clinical testing. Allele origin: germline. Affected: yes.
Comment: Has not been previously published as pathogenic or benign to our knowledge; Not observed at significant frequency in large population cohorts (gnomAD); In silico analysis supports that this missense variant has a deleterious effect on protein structure/function